The following is an entry in ClinVar:

NM_020778.5(ALPK3):c.3059A>C (p.Asn1020Thr)

Gene: ALPK3 (alpha kinase 3; plus strand). Cytogenetic location: 15q25.3.
Variant type: single nucleotide variant.
Coding change: c.3059A>C on transcript NM_020778.5 (MANE Select); coding-DNA position 3059, A replaced by C.
Protein change: p.Asn1020Thr; replaces asparagine 1020 with threonine.
Molecular consequence: missense variant.
Genome position (GRCh38, 1-based): chr15:84,857,797, A>C. VCF-style: chr15-84857797-A-C. GRCh37 (hg19) VCF-style: chr15-85401028-A-C.
Other names: short protein forms N1020T.
Identifiers: ClinVar variation 4740606 (VCV004740606.1).
Genomic context (GRCh38, chr15:84,857,797, plus strand): 5'-CTGTGGAAGTGGCTGGGCTTAGTCCCCGGACATCGAGGCGCATCCTGGAGCGTGTGGAGA[A>C]CAACCACCTGGTGCAGAGTGCACAGACCCTGCTGCTGAGCCCCTGTACCTCCCGCCGCCT-3'
Protein context (NP_065829.4, residues 1010-1030): TSRRILERVE[Asn1020Thr]NHLVQSAQTL

ClinVar aggregate classification (germline): Uncertain significance (1 of 4 stars; one submission).

Submission:

Labcorp Genetics (formerly Invitae), Labcorp
Classification: Uncertain significance. Last evaluated: 2026-01-14. Review status: criteria provided, single submitter. Criteria: Invitae Variant Classification Sherloc (09022015). Collection method: clinical testing. Allele origin: germline.
Comment: This sequence change replaces asparagine, which is neutral and polar, with threonine, which is neutral and polar, at codon 1222 of the ALPK3 protein (p.Asn1222Thr). This variant is not present in population databases (gnomAD no frequency). This variant has not been reported in the literature in individuals affected with ALPK3-related conditions. Invitae Evidence Modeling of protein sequence and biophysical properties (such as structural, functional, and spatial information, amino acid conservation, physicochemical variation, residue mobility, and thermodynamic stability) indicates that this missense variant is not expected to disrupt ALPK3 protein function with a negative predictive value of 80%. In summary, the available evidence is currently insufficient to determine the role of this variant in disease. Therefore, it has been classified as a Variant of Uncertain Significance.